The following is an entry in ClinVar:

NM_012275.3(IL36RN):c.*1660G>A

Gene: IL36RN (interleukin 36 receptor antagonist; plus strand). Cytogenetic location: 2q14.1.
Variant type: single nucleotide variant.
Coding change: c.*1660G>A on transcript NM_012275.3 (MANE Select); 1660 bases downstream of the stop codon, G replaced by A.
Molecular consequence: 3 prime UTR variant.
Genome position (GRCh38, 1-based): chr2:113,064,337, G>A. VCF-style: chr2-113064337-G-A. GRCh37 (hg19) VCF-style: chr2-113821914-G-A.
Other names: c.*1660G>A (NM_173170.1).
Identifiers: ClinVar variation 330807 (VCV000330807.5), dbSNP rs74502334, ClinGen allele CA10610606.
Genomic context (GRCh38, chr2:113,064,337, plus strand): 5'-CGGCTGTTTTAAGCCACCAAGGATAATTGGTTACAGCAGCTCTAGGAAACTAATACAGCT[G>A]CTAAAATGATCCCTGTCTCCTCGTGTTTACATTCTGTGTGTGTCCCCTCCCACAATGTAC-3'

ClinVar aggregate classification (germline): Likely benign (1 of 4 stars; one submission).

Conditions:
Generalized pustular psoriasis. Identifiers: Orphanet 247353, MedGen C0343055, MONDO:0100491.

Allele frequency attached by ClinVar (database versions not stated): gnomAD 0.01169 and 0.01253; 1000 Genomes Project 0.01178; TOPMed 0.01303; 1000 Genomes Project 30x 0.01312.

Submission:

Illumina Laboratory Services, Illumina
Classification: Likely benign for Acrodermatitis continua suppurativa of Hallopeau. Last evaluated: 2018-01-12. Review status: criteria provided, single submitter. Criteria: ICSL Variant Classification Criteria 13 December 2019. Collection method: clinical testing. Allele origin: germline.
Comment: This variant was observed in the ICSL laboratory as part of a predisposition screen in an ostensibly healthy population. It had not been previously curated by ICSL or reported in the Human Gene Mutation Database (HGMD: prior to June 1st, 2018), and was therefore a candidate for classification through an automated scoring system. Utilizing variant allele frequency, disease prevalence and penetrance estimates, and inheritance mode, an automated score was calculated to assess if this variant is too frequent to cause the disease. Based on the score and internal cut-off values, a variant classified as likely benign is not then subjected to further curation. The score for this variant resulted in a classification of likely benign for this disease.